The following is an entry in ClinVar:

ClinVar aggregate classification (germline): Uncertain significance (1 of 4 stars; one submission).

Conditions:
Deficiency of hydroxymethylglutaryl-CoA lyase (HMGCLD). Also called: Defect in leucine metabolism; 3-hydroxy-3-methylglutaric aciduria; HMG-CoA LYASE DEFICIENCY; HMGCL DEFICIENCY; HYDROXYMETHYLGLUTARIC ACIDURIA. Identifiers: Orphanet 20, MedGen C1533587, MONDO:0009520, OMIM 246450.

Submission:

Labcorp Genetics (formerly Invitae), Labcorp
Classification: Uncertain significance for Deficiency of hydroxymethylglutaryl-CoA lyase. Last evaluated: 2021-09-02. Review status: criteria provided, single submitter. Criteria: Invitae Variant Classification Sherloc (09022015). Collection method: clinical testing. Allele origin: germline.
Comment: This sequence change falls in intron 7 of the HMGCL gene. It does not directly change the encoded amino acid sequence of the HMGCL protein. It affects a nucleotide within the consensus splice site of the intron. This variant is not present in population databases (ExAC no frequency). This variant has not been reported in the literature in individuals affected with HMGCL-related conditions. Variants that disrupt the consensus splice site are a relatively common cause of aberrant splicing (PMID: 17576681, 9536098). Algorithms developed to predict the effect of sequence changes on RNA splicing suggest that this variant is not likely to affect RNA splicing. In summary, the available evidence is currently insufficient to determine the role of this variant in disease. Therefore, it has been classified as a Variant of Uncertain Significance.

Literature cited by the submitters: PubMed 17576681; PubMed 9536098.

NM_000191.3(HMGCL):c.751-10_751-9del

Gene: HMGCL (3-hydroxy-3-methylglutaryl-CoA lyase; minus strand). Cytogenetic location: 1p36.11.
Variant type: Deletion.
Coding change: c.751-10_751-9del on transcript NM_000191.3 (MANE Select); 10 bases into the intron before coding-DNA position 751 through 9 bases into the intron before coding-DNA position 751, 2 bases deleted (AT; older notation c.751-10_751-9delAT).
Molecular consequence: intron variant.
Genome position (GRCh38, 1-based): chr1:23,804,534-23,804,535, AT deleted on the plus strand (AT on the coding strand, the reverse complement: HMGCL is on the minus strand); deleting any 2 consecutive bases within chr1:23,804,534-23,804,536 gives the same sequence; the c. name uses the placement nearest the transcript's 3' end. VCF-style (leftmost placement, unchanged base first): chr1-23804533-CAT-C. GRCh37 (hg19) VCF-style: chr1-24131023-CAT-C.
Other names: c.538-10_538-9del (NM_001166059.2).
Identifiers: ClinVar variation 834329 (VCV000834329.7), dbSNP rs1638366878, ClinGen allele CA916082007.
Genomic context (GRCh38, chr1:23,804,533, plus strand): 5'-TAGGGACAGCCTCCAAGTCCTGCCACAGAAGAGTCCACGACACTCACTCCCATCTAGAAA[CAT>C]AAGGATGGTGAAACACAGTTGTTGCTGGGGACAAGAGGCCACAGAGATGAGCCTTGCAAA-3'